The following is an entry in ClinVar:

NM_001372078.1(REV3L):c.559A>T (p.Arg187Trp)

Gene: REV3L (REV3 like, DNA directed polymerase zeta catalytic subunit; minus strand). Cytogenetic location: 6q21.
Variant type: single nucleotide variant.
Coding change: c.559A>T on transcript NM_001372078.1 (MANE Select); coding-DNA position 559, A replaced by T.
Protein change: p.Arg187Trp; replaces arginine 187 with tryptophan.
Molecular consequence: missense variant.
Genome position (GRCh38, 1-based): chr6:111,405,476, T>A on the plus strand (A>T on the coding strand, the complement: REV3L is on the minus strand). VCF-style: chr6-111405476-T-A. GRCh37 (hg19) VCF-style: chr6-111726679-T-A.
Other names: c.325A>T, p.Arg109Trp (NM_001286431.2, NM_001286432.2); c.559A>T, p.Arg187Trp (NM_002912.5); short protein forms R187W, R109W.
Identifiers: ClinVar variation 221624 (VCV000221624.2), dbSNP rs1057519367, ClinGen allele CA16044125.

ClinVar aggregate classification (germline): Likely pathogenic (1 of 4 stars; one submission).

Conditions:
Carcinoma of colon (CRC). Also called: Colon carcinoma; Colonic carcinoma. Identifiers: MedGen C0699790, MONDO:0002032.

Allele frequency attached by ClinVar (database versions not stated): gnomAD exomes 0.00001; TOPMed below 0.00001.
gnomAD v4.1: 11 of 1,587,742 alleles (0.00069%); highest among the groups gnomAD compares: Non-Finnish European, 0.00094%; no homozygotes.

Submission:

Genetic Predisposition to Colorectal Cancer Group, Institut d’Investigacions Biomediques August Pi i Sunyer
Classification: Likely pathogenic for Colorectal cancer. Last evaluated: 2015-11-01. Review status: criteria provided, single submitter. Criteria: Submitter's publication. Collection method: clinical testing. Allele origin: germline. Affected: yes. Observed: 4 variant alleles. Study: FAMCOLON.
Comment: Variant detected by whole exome sequencing in a family presenting aggregation mainly for colorectal cancer but also for prostate cancer

Segregation in the family affected members; frequency in the control datasets <0.01% (ExAC, EVS, CIBERER Spanish Variant Server); in silico pathogenicity predictions (CADD, PolyPhen, SIFT, PhyloP, LRT); LOH in the tumor

Literature cited by the submitters: PubMed 27165003.